The following is an entry in ClinVar:

ClinVar aggregate classification (germline): Uncertain significance (1 of 4 stars; one submission).

gnomAD v4.1: 1 of 1,602,642 alleles (0.000062%); highest among the groups gnomAD compares: Non-Finnish European, 0.000085%; no homozygotes.

Submission:

Ambry Genetics
Classification: Uncertain significance. Last evaluated: 2024-07-05. Review status: criteria provided, single submitter. Criteria: Ambry Variant Classification Scheme 2023. Collection method: clinical testing. Allele origin: germline.
Comment: The p.V1015A variant (also known as c.3044T>C), located in coding exon 16 of the POLQ gene, results from a T to C substitution at nucleotide position 3044. The valine at codon 1015 is replaced by alanine, an amino acid with similar properties. This amino acid position is conserved. In addition, this alteration is predicted to be tolerated by in silico analysis. Based on the available evidence, the clinical significance of this variant remains unclear.

NM_199420.4(POLQ):c.3044T>C (p.Val1015Ala)

Gene: POLQ (DNA polymerase theta; minus strand). Cytogenetic location: 3q13.33.
Variant type: single nucleotide variant.
Coding change: c.3044T>C on transcript NM_199420.4 (MANE Select); coding-DNA position 3044, T replaced by C.
Protein change: p.Val1015Ala; replaces valine 1015 with alanine.
Molecular consequence: missense variant.
Genome position (GRCh38, 1-based): chr3:121,489,887, A>G on the plus strand (T>C on the coding strand, the complement: POLQ is on the minus strand). VCF-style: chr3-121489887-A-G. GRCh37 (hg19) VCF-style: chr3-121208734-A-G.
Other names: short protein forms V1015A.
Identifiers: ClinVar variation 3422394 (VCV003422394.1).